The following is an entry in ClinVar:

ClinVar aggregate classification (germline): Uncertain significance (1 of 4 stars; one submission).

Submission:

Labcorp Genetics (formerly Invitae), Labcorp
Classification: Uncertain significance. Last evaluated: 2021-08-14. Review status: criteria provided, single submitter. Criteria: Invitae Variant Classification Sherloc (09022015). Collection method: clinical testing. Allele origin: germline.
Comment: This sequence change replaces glycine with alanine at codon 269 of the TSEN54 protein (p.Gly269Ala). The glycine residue is weakly conserved and there is a small physicochemical difference between glycine and alanine. This variant is not present in population databases (ExAC no frequency). This variant has not been reported in the literature in individuals affected with TSEN54-related conditions. Algorithms developed to predict the effect of missense changes on protein structure and function output the following: SIFT: "Tolerated"; PolyPhen-2: "Benign"; Align-GVGD: "Class C0". The alanine amino acid residue is found in multiple mammalian species, which suggests that this missense change does not adversely affect protein function. In summary, the available evidence is currently insufficient to determine the role of this variant in disease. Therefore, it has been classified as a Variant of Uncertain Significance.

NM_207346.3(TSEN54):c.806G>C (p.Gly269Ala)

Gene: TSEN54 (tRNA splicing endonuclease subunit 54; plus strand). Cytogenetic location: 17q25.1.
Variant type: single nucleotide variant.
Coding change: c.806G>C on transcript NM_207346.3 (MANE Select); coding-DNA position 806, G replaced by C.
Protein change: p.Gly269Ala; replaces glycine 269 with alanine.
Molecular consequence: missense variant.
Genome position (GRCh38, 1-based): chr17:75,521,887, G>C. VCF-style: chr17-75521887-G-C. GRCh37 (hg19) VCF-style: chr17-73517968-G-C.
Other names: short protein forms G269A.
Identifiers: ClinVar variation 1471660 (VCV001471660.5), dbSNP rs2147013208, ClinGen allele CA401029081.